The following is an entry in ClinVar:

NM_000535.7(PMS2):c.685T>C (p.Ser229Pro)

Gene: PMS2 (PMS1 homolog 2, mismatch repair system component; minus strand). Cytogenetic location: 7p22.1.
Variant type: single nucleotide variant.
Coding change: c.685T>C on transcript NM_000535.7 (MANE Select); coding-DNA position 685, T replaced by C.
Protein change: p.Ser229Pro; replaces serine 229 with proline.
Molecular consequence: missense variant. On other transcripts: 5 prime UTR variant (2), non-coding transcript variant (1), intron variant (1).
Genome position (GRCh38, 1-based): chr7:5,999,128, A>G on the plus strand (T>C on the coding strand, the complement: PMS2 is on the minus strand). VCF-style: chr7-5999128-A-G. GRCh37 (hg19) VCF-style: chr7-6038759-A-G.
Other names: p.S229P:TCT>CCT; c.280T>C, p.Ser94Pro (NM_001322003.2, NM_001322004.2, NM_001322005.2 and 2 more transcripts); c.685T>C, p.Ser229Pro (NM_001322006.2, NM_001322014.2); c.367T>C, p.Ser123Pro (NM_001322007.2, NM_001322008.2); c.-249T>C (NM_001322011.2, NM_001322012.2); c.376T>C, p.Ser126Pro (NM_001322015.2); c.133-1705T>C (NM_001322013.2); short protein forms S229P, S123P, S126P, S94P.
Identifiers: ClinVar variation 182799 (VCV000182799.23), dbSNP rs730881909, ClinGen allele CA012519.

ClinVar aggregate classification (germline): Uncertain significance. Review status: criteria provided, multiple submitters, no conflicts (2 of 4 stars). 7 submissions from 7 submitters: Uncertain significance (7). Last evaluated 2025-12-29.

Conditions:
Hereditary cancer-predisposing syndrome. Also called: Tumor predisposition; Hereditary Cancer Syndrome; Hereditary neoplastic syndrome; Neoplastic Syndromes, Hereditary. Identifiers: Orphanet 140162, MedGen C0027672, MeSH D009386, MONDO:0015356.
Hereditary nonpolyposis colorectal neoplasms. Identifiers: MedGen C0009405, MeSH D003123.
Lynch syndrome. Identifiers: Orphanet 144, MedGen C4552100, MONDO:0005835. Disease mechanism: loss of function.
Lynch syndrome 4 (LYNCH4). Also called: Colorectal cancer, hereditary nonpolyposis, type 4; Hereditary non-polyposis colorectal cancer, type 4. Identifiers: Orphanet 144, MedGen C1838333, MONDO:0013699, OMIM 614337. Disease mechanism: loss of function.

Allele frequency attached by ClinVar (database versions not stated): gnomAD exomes below 0.00001; TOPMed 0.00001.

Submissions (7):

Labcorp Genetics (formerly Invitae), Labcorp
Classification: Uncertain significance for Hereditary nonpolyposis colorectal neoplasms. Last evaluated: 2025-12-29. Review status: criteria provided, single submitter. Criteria: Invitae Variant Classification Sherloc (09022015). Collection method: clinical testing. Allele origin: germline.
Comment: This sequence change replaces serine, which is neutral and polar, with proline, which is neutral and non-polar, at codon 229 of the PMS2 protein (p.Ser229Pro). This variant is present in population databases (rs730881909, gnomAD 0.0009%). This variant has not been reported in the literature in individuals affected with PMS2-related conditions. ClinVar contains an entry for this variant (Variation ID: 182799). Invitae Evidence Modeling incorporating data from in vitro experimental studies (internal data) indicates that this missense variant is not expected to disrupt PMS2 function with a negative predictive value of 95%. In summary, the available evidence is currently insufficient to determine the role of this variant in disease. Therefore, it has been classified as a Variant of Uncertain Significance.

Ambry Genetics
Classification: Uncertain significance for Hereditary cancer-predisposing syndrome. Last evaluated: 2024-11-25. Review status: criteria provided, single submitter. Criteria: Ambry Variant Classification Scheme 2023. Collection method: clinical testing. Allele origin: germline.
Comment: The p.S229P variant (also known as c.685T>C), located in coding exon 6 of the PMS2 gene, results from a T to C substitution at nucleotide position 685. The serine at codon 229 is replaced by proline, an amino acid with similar properties. This amino acid position is poorly conserved in available vertebrate species. In addition, the in silico prediction for this alteration is inconclusive. Since supporting evidence is limited at this time, the clinical significance of this alteration remains unclear.

Quest Diagnostics Nichols Institute San Juan Capistrano
Classification: Uncertain significance. Last evaluated: 2024-03-11. Review status: criteria provided, single submitter. Criteria: Quest Diagnostics criteria. Collection method: clinical testing. Allele origin: unknown.
Comment: The PMS2 c.685T>C (p.Ser229Pro) variant has not been reported in individuals with PMS2-related conditions in the published literature. The frequency of this variant in the general population, 0.000004 (1/251488 chromosomes (Genome Aggregation Database)), is uninformative in the assessment of its pathogenicity. Analysis of this variant using bioinformatics tools for the prediction of the effect of amino acid changes on protein structure and function yielded conflicting predictions that this variant is deleterious or benign. Based on the available information, we are unable to determine the clinical significance of this variant.

Baylor Genetics
Classification: Uncertain significance for Lynch syndrome 4. Last evaluated: 2023-11-26. Review status: criteria provided, single submitter. Criteria: ACMG Guidelines, 2015. Collection method: clinical testing. Allele origin: unknown.

All of Us Research Program, National Institutes of Health
Classification: Uncertain significance for Lynch syndrome. Last evaluated: 2023-05-04. Review status: criteria provided, single submitter. Criteria: ACMG Guidelines, 2015. Collection method: clinical testing. Allele origin: germline. Inheritance: Autosomal dominant inheritance. Observed: 1 variant allele, 1 heterozygote.
Comment: This missense variant replaces serine with proline at codon 229 of the PMS2 protein. Computational prediction is inconclusive regarding the impact of this variant on protein structure and function (internally defined REVEL score threshold 0.5 < inconclusive < 0.7, PMID: 27666373). To our knowledge, functional studies have not been reported for this variant. This variant has not been reported in individuals affected with PMS2-related disorders in the literature. This variant has been identified in 1/251488 chromosomes in the general population by the Genome Aggregation Database (gnomAD). The available evidence is insufficient to determine the role of this variant in disease conclusively. Therefore, this variant is classified as a Variant of Uncertain Significance.

This study involves interpretation of variants in research participants for the purpose of population health screening. Participant phenotype was not available at the time of variant classification. Additional details can be found in publication PMID: 35346344, PMCID: PMC8962531

Color Diagnostics, LLC DBA Color Health
Classification: Uncertain significance for Hereditary cancer-predisposing syndrome. Last evaluated: 2023-04-18. Review status: criteria provided, single submitter. Criteria: ACMG Guidelines, 2015. Collection method: clinical testing. Allele origin: germline.
Comment: This missense variant replaces serine with proline at codon 229 of the PMS2 protein. Computational prediction is inconclusive regarding the impact of this variant on protein structure and function (internally defined REVEL score threshold 0.5 < inconclusive < 0.7, PMID: 27666373). To our knowledge, functional studies have not been reported for this variant. This variant has not been reported in individuals affected with PMS2-related disorders in the literature. This variant has been identified in 1/251488 chromosomes in the general population by the Genome Aggregation Database (gnomAD). The available evidence is insufficient to determine the role of this variant in disease conclusively. Therefore, this variant is classified as a Variant of Uncertain Significance.

GeneDx
Classification: Uncertain significance. Last evaluated: 2016-03-14. Review status: criteria provided, single submitter. Criteria: GeneDx Variant Classification (06012015). Collection method: clinical testing. Allele origin: germline. Affected: yes.
Comment: This variant is denoted PMS2 c.685T>C at the cDNA level, p.Ser229Pro (S229P) at the protein level, and results in the change of a Serine to a Proline (TCT>CCT). This variant has not, to our knowledge, been published in the literature as pathogenic or benign. PMS2 Ser229Pro was not observed in approximately 6,500 individuals of European and African American ancestry in the NHLBI Exome Sequencing Project, suggesting it is not a common benign variant in these populations. Since Serine and Proline differ in polarity, charge, size or other properties, this is considered a non-conservative amino acid substitution. PMS2 Ser229Pro occurs at a position that is not conserved and is located in the ATPase domain (Fukui 2011, Guarne 2001). In silico analyses are inconsistent regarding the effect this variant may have on protein structure and function. Based on currently available information, it is unclear whether PMS2 Ser229Pro is pathogenic or benign. We consider it to be a variant of uncertain significance.